The following is an entry in ClinVar:

NM_006015.6(ARID1A):c.2615T>C (p.Met872Thr)

Gene: ARID1A (AT-rich interaction domain 1A; plus strand). Cytogenetic location: 1p36.11.
Variant type: single nucleotide variant.
Coding change: c.2615T>C on transcript NM_006015.6 (MANE Select); coding-DNA position 2615, T replaced by C.
Protein change: p.Met872Thr; replaces methionine 872 with threonine.
Molecular consequence: missense variant.
Genome position (GRCh38, 1-based): chr1:26,763,168, T>C. VCF-style: chr1-26763168-T-C. GRCh37 (hg19) VCF-style: chr1-27089659-T-C.
Other names: c.2615T>C, p.Met872Thr (NM_139135.4); short protein forms M872T.
Identifiers: ClinVar variation 1321507 (VCV001321507.8), dbSNP rs140568310, ClinGen allele CA707036.

ClinVar aggregate classification (germline): Conflicting classifications of pathogenicity. Review status: criteria provided, conflicting classifications (1 of 4 stars). 3 submissions from 3 submitters: Uncertain significance (1); Likely benign (2). Last evaluated 2025-09-08.

Conditions:
Intellectual disability, autosomal dominant 14 (CSS2). Also called: COFFIN-SIRIS SYNDROME 2. Identifiers: Orphanet 1465, MedGen C3553247, MONDO:0013819, OMIM 614607.

Allele frequency attached by ClinVar (database versions not stated): gnomAD exomes 0.00006; 1000 Genomes Project 0.00040; TOPMed 0.00051; gnomAD 0.00010 and 0.00040; ExAC 0.00006; ESP Exome Variant Server 0.00015; 1000 Genomes Project 30x 0.00062.
gnomAD v4.1: 143 of 1,614,236 alleles (0.0089%); highest among the groups gnomAD compares: Admixed American, 0.017%; no homozygotes.

Submissions (3):

Labcorp Genetics (formerly Invitae), Labcorp
Classification: Likely benign. Last evaluated: 2025-09-08. Review status: criteria provided, single submitter. Criteria: Invitae Variant Classification Sherloc (09022015). Collection method: clinical testing. Allele origin: germline.

Revvity Omics, Revvity
Classification: Uncertain significance for Intellectual disability, autosomal dominant 14. Last evaluated: 2022-11-07. Review status: criteria provided, single submitter. Criteria: ACMG Guidelines, 2015. Collection method: clinical testing. Allele origin: germline.

GeneDx
Classification: Likely benign. Last evaluated: 2022-06-23. Review status: criteria provided, single submitter. Criteria: GeneDx Variant Classification Process June 2021. Collection method: clinical testing. Allele origin: germline. Affected: yes.
Comment: See Variant Classification Assertion Criteria.